The following is an entry in ClinVar:

NM_000257.4(MYH7):c.1559G>A (p.Cys520Tyr)

Gene: MYH7 (myosin heavy chain 7; minus strand). Cytogenetic location: 14q11.2.
Variant type: single nucleotide variant.
Coding change: c.1559G>A on transcript NM_000257.4 (MANE Select); coding-DNA position 1559, G replaced by A.
Protein change: p.Cys520Tyr; replaces cysteine 520 with tyrosine.
Molecular consequence: missense variant.
Genome position (GRCh38, 1-based): chr14:23,428,519, C>T on the plus strand (G>A on the coding strand, the complement: MYH7 is on the minus strand). VCF-style: chr14-23428519-C-T. GRCh37 (hg19) VCF-style: chr14-23897728-C-T.
Other names: short protein forms C520Y.
Identifiers: ClinVar variation 1171296 (VCV001171296.4), dbSNP rs1892789510, ClinGen allele CA389050327.

ClinVar aggregate classification (germline): Uncertain significance (1 of 4 stars; one submission).

Conditions:
Cardiomyopathy (CMYO). Also called: Cardiomyopathies. Identifiers: Orphanet 167848, MedGen C0878544, MONDO:0004994, HP:0001638. Inheritance: Various modes of inheritance.

Submission:

Color Diagnostics, LLC DBA Color Health
Classification: Uncertain significance for Cardiomyopathy. Last evaluated: 2022-01-03. Review status: criteria provided, single submitter. Criteria: ACMG Guidelines, 2015. Collection method: clinical testing. Allele origin: germline.
Comment: This missense variant replaces cysteine with tyrosine at codon 520 of the MYH7 protein. Computational prediction suggests that this variant may have deleterious impact on protein structure and function (internally defined REVEL score threshold >= 0.7, PMID: 27666373). To our knowledge, functional studies have not been reported for this variant. This variant has not been reported in individuals affected with cardiovascular disorders in the literature. This variant has not been identified in the general population by the Genome Aggregation Database (gnomAD). The available evidence is insufficient to determine the role of this variant in disease conclusively. Therefore, this variant is classified as a Variant of Uncertain Significance.